The following is an entry in ClinVar:

ClinVar aggregate classification (germline): Uncertain significance. Review status: criteria provided, multiple submitters, no conflicts (2 of 4 stars). 2 submissions from 2 submitters: Uncertain significance (2). Last evaluated 2025-04-30.

Conditions:
Inborn genetic diseases. Identifiers: MedGen C0950123, MeSH D030342.

Allele frequency attached by ClinVar (database versions not stated): TOPMed below 0.00001; ExAC 0.00001; gnomAD 0.00001.
gnomAD v4.1: 2 of 1,610,016 alleles (0.00012%); highest among the groups gnomAD compares: African/African-American, 0.0027%; no homozygotes.

Submissions (2):

Ambry Genetics
Classification: Uncertain significance for Inborn genetic diseases. Last evaluated: 2025-04-30. Review status: criteria provided, single submitter. Criteria: Ambry Variant Classification Scheme 2023. Collection method: clinical testing. Allele origin: germline.

Labcorp Genetics (formerly Invitae), Labcorp
Classification: Uncertain significance. Last evaluated: 2022-07-21. Review status: criteria provided, single submitter. Criteria: Invitae Variant Classification Sherloc (09022015). Collection method: clinical testing. Allele origin: germline.
Comment: In summary, the available evidence is currently insufficient to determine the role of this variant in disease. Therefore, it has been classified as a Variant of Uncertain Significance. Experimental studies and prediction algorithms are not available or were not evaluated, and the functional significance of this variant is currently unknown. This variant has not been reported in the literature in individuals affected with NR2E3-related conditions. This variant is present in population databases (rs777725578, gnomAD 0.007%). This sequence change replaces arginine, which is basic and polar, with glycine, which is neutral and non-polar, at codon 247 of the NR2E3 protein (p.Arg247Gly).

NM_014249.4(NR2E3):c.739C>G (p.Arg247Gly)

Gene: NR2E3 (nuclear receptor subfamily 2 group E member 3; plus strand). Cytogenetic location: 15q23.
Variant type: single nucleotide variant.
Coding change: c.739C>G on transcript NM_014249.4 (MANE Select); coding-DNA position 739, C replaced by G.
Protein change: p.Arg247Gly; replaces arginine 247 with glycine.
Molecular consequence: missense variant.
Genome position (GRCh38, 1-based): chr15:71,812,503, C>G. VCF-style: chr15-71812503-C-G. GRCh37 (hg19) VCF-style: chr15-72104843-C-G.
Other names: c.739C>G (NM_014249.2); c.739C>G, p.Arg247Gly (NM_016346.4); short protein forms R247G.
Identifiers: ClinVar variation 1976603 (VCV001976603.6), dbSNP rs777725578, ClinGen allele CA7640381.